The following is an entry in ClinVar:

ClinVar aggregate classification (germline): Uncertain significance (1 of 4 stars; one submission).

Conditions:
Compton-North congenital myopathy (CMYO12). Identifiers: Orphanet 210163, MedGen C2675527, MONDO:0012929, OMIM 612540.

Submission:

Labcorp Genetics (formerly Invitae), Labcorp
Classification: Uncertain significance for Compton-North congenital myopathy. Last evaluated: 2022-08-09. Review status: criteria provided, single submitter. Criteria: Invitae Variant Classification Sherloc (09022015). Collection method: clinical testing. Allele origin: germline.
Comment: In summary, the available evidence is currently insufficient to determine the role of this variant in disease. Therefore, it has been classified as a Variant of Uncertain Significance. Advanced modeling of protein sequence and biophysical properties (such as structural, functional, and spatial information, amino acid conservation, physicochemical variation, residue mobility, and thermodynamic stability) performed at Invitae indicates that this missense variant is not expected to disrupt CNTN1 protein function. ClinVar contains an entry for this variant (Variation ID: 1444215). This variant has not been reported in the literature in individuals affected with CNTN1-related conditions. This variant is not present in population databases (gnomAD no frequency). This sequence change replaces alanine, which is neutral and non-polar, with valine, which is neutral and non-polar, at codon 585 of the CNTN1 protein (p.Ala585Val).

NM_001843.4(CNTN1):c.1754C>T (p.Ala585Val)

Gene: CNTN1 (contactin 1; plus strand). Cytogenetic location: 12q12.
Variant type: single nucleotide variant.
Coding change: c.1754C>T on transcript NM_001843.4 (MANE Select); coding-DNA position 1754, C replaced by T.
Protein change: p.Ala585Val; replaces alanine 585 with valine.
Molecular consequence: missense variant.
Genome position (GRCh38, 1-based): chr12:40,959,184, C>T. VCF-style: chr12-40959184-C-T. GRCh37 (hg19) VCF-style: chr12-41352986-C-T.
Other names: c.1754C>T, p.Ala585Val (NM_001256063.2, NM_001256064.2); c.1721C>T, p.Ala574Val (NM_175038.2); short protein forms A574V, A585V.
Identifiers: ClinVar variation 1444215 (VCV001444215.6), dbSNP rs2137007039, ClinGen allele CA384425354.